The following is an entry in ClinVar:

ClinVar aggregate classification (germline): Conflicting classifications of pathogenicity. Review status: criteria provided, conflicting classifications (1 of 4 stars). 21 submissions from 21 submitters: Uncertain significance (17); Benign (1). 3 of the submissions do not count toward it. Last evaluated 2026-09-04.

Conditions:
ATM-related disorder. Also called: ATM-related disorders; ATM-related condition.
Hereditary cancer-predisposing syndrome. Also called: Neoplastic Syndromes, Hereditary; Hereditary Cancer Syndrome; Tumor predisposition; Hereditary neoplastic syndrome. Identifiers: Orphanet 140162, MedGen C0027672, MeSH D009386, MONDO:0015356.
Breast and/or ovarian cancer. Identifiers: MedGen CN221562.
Familial cancer of breast. Also called: BREAST CANCER, FAMILIAL; hereditary breast carcinoma; Hereditary breast cancer. Identifiers: Orphanet 227535, MedGen C0346153, MONDO:0016419, OMIM 114480. Disease mechanism: loss of function.
Ataxia-telangiectasia syndrome (AT). Also called: Ataxia-telangiectasia, complementation group D; AT, COMPLEMENTATION GROUP C; Ataxia-telangiectasia; ATAXIA-TELANGIECTASIA, COMPLEMENTATION GROUP A; ATAXIA-TELANGIECTASIA, FRESNO VARIANT; Ataxia-telangiectasia, complementation group E. Identifiers: Orphanet 100, MedGen C0004135, MONDO:0008840, OMIM 208900.
Ovarian cancer. Also called: OVARIAN CANCER, SOMATIC. Identifiers: Orphanet 213500, MedGen C1140680, MONDO:0008170, OMIM 167000.

Allele frequency attached by ClinVar (database versions not stated): 1000 Genomes Project 30x 0.00047; gnomAD exomes 0.00012; 1000 Genomes Project 0.00040; ExAC 0.00016; TOPMed 0.00004; gnomAD 0.00006 and 0.00009.
gnomAD v4.1: 139 of 1,613,710 alleles (0.0086%); highest among the groups gnomAD compares: South Asian, 0.07%; 2 homozygotes.

Submissions 1 to 6 of 21:

PreventionGenetics, part of Exact Sciences
Classification: Uncertain significance for ATM-related condition. Last evaluated: 2026-09-04. Review status: criteria provided, single submitter. Criteria: ACMG Guidelines, 2015. Collection method: clinical testing. Allele origin: germline.
Comment: The ATM c.8495G>A variant is predicted to result in the amino acid substitution p.Arg2832His. This variant was reported in individuals with breast cancer, lung cancer, and chronic lymphocytic leukemia (CLL) (Guindalini et al. 2022. PubMed ID: 35264596; Girard et al. 2019. PubMed ID: 30303537; Decker et al. 2017. PubMed ID: 28779002; Lampson et al. 2022. PubMed ID: 36315919; Lu et al. 2015. PubMed ID: 26689913). This variant is reported in 0.049% of alleles in individuals of South Asian descent in gnomAD and has conflicting interpretations in ClinVar ranging from likely benign to uncertain (Variation ID: 133638). Experimental studies indicate that this variant has an intermediate impact on ATM function (Hanenberg et al. 2025. PubMed ID: 40105422). Another variant at this codon (p.Arg2832Cys) has been identified in individuals with clinical features of mild ataxia-telangiectasia (Jackson et al. 2016. PubMed ID: 26896183; Mitui et al. 2009. PubMed ID: 18634022), suggesting this codon may be clinically relevant. At this time, the clinical significance of this variant is uncertain due to the absence of conclusive functional and genetic evidence.

Labcorp Genetics (formerly Invitae), Labcorp
Classification: Uncertain significance for Ataxia-telangiectasia syndrome. Last evaluated: 2026-01-13. Review status: criteria provided, single submitter. Criteria: Invitae Variant Classification Sherloc (09022015). Collection method: clinical testing. Allele origin: germline.
Comment: This sequence change replaces arginine, which is basic and polar, with histidine, which is basic and polar, at codon 2832 of the ATM protein (p.Arg2832His). This variant is present in population databases (rs529296539, gnomAD 0.05%). This missense change has been observed in individual(s) with lung, breast or ovarian and pancreatic cancer (PMID: 26689913, 28726808, 28779002, 30303537, 33552952). ClinVar contains an entry for this variant (Variation ID: 133638). Invitae Evidence Modeling of protein sequence and biophysical properties (such as structural, functional, and spatial information, amino acid conservation, physicochemical variation, residue mobility, and thermodynamic stability) indicates that this missense variant is not expected to disrupt ATM protein function with a negative predictive value of 95%. This variant disrupts the p.Arg2832 amino acid residue in ATM. Other variant(s) that disrupt this residue have been determined to be pathogenic (PMID: 9443866, 10817650, 10873394, 12552559, 18634022). This suggests that this residue is clinically significant, and that variants that disrupt this residue are likely to be disease-causing. In summary, the available evidence is currently insufficient to determine the role of this variant in disease. Therefore, it has been classified as a Variant of Uncertain Significance.

Women's Health and Genetics/Laboratory Corporation of America, LabCorp
Classification: Uncertain significance. Last evaluated: 2025-09-15. Review status: criteria provided, single submitter. Criteria: LabCorp Variant Classification Summary - May 2015. Collection method: clinical testing. Allele origin: germline.
Comment: Variant summary: ATM c.8495G>A (p.Arg2832His) results in a non-conservative amino acid change located in the Phosphatidylinositol 3-/4-kinase, catalytic domain (IPR000403) and ATM, catalytic domain (IPR044107) of the encoded protein sequence. Algorithms developed to predict the effect of missense changes on protein structure and function are either unavailable or do not agree on the potential impact of this missense change. The variant allele was found at a frequency of 0.00012 in 251276 control chromosomes. The observed variant frequency exceeds the estimated maximal expected allele frequency for disease-causing variants in ATM. c.8495G>A has been reported in the literature in individuals affected with various forms of cancer including gastric, pancreatic, breast, and lung cancer (e.g., Zhang_2004, Chaffee_2018, Girard_2019, Guindalini_2022, Bernstein_2010, Castillo-Guardiola_2022, Lu_2015). However the variant has also been detected in healthy control individuals (e.g., Bodian_2014, Tiao_2017). These data do not allow any conclusion about variant significance. To our knowledge, no experimental evidence demonstrating an impact on protein function has been reported. The following publications have been ascertained in the context of this evaluation (PMID: 20305132, 24728327, 35245693, 28726808, 30303537, 35264596, 36315919, 26689913, 28652578, 30374176, 14706517). ClinVar contains an entry for this variant (Variation ID: 133638). Based on the evidence outlined above, the variant was classified as VUS-possibly pathogenic.

Quest Diagnostics Nichols Institute San Juan Capistrano
Classification: Uncertain significance. Last evaluated: 2025-08-13. Review status: criteria provided, single submitter. Criteria: Quest Diagnostics criteria. Collection method: clinical testing. Allele origin: unknown.

Mayo Clinic Laboratories, Mayo Clinic
Classification: Uncertain significance. Last evaluated: 2025-07-21. Review status: criteria provided, single submitter. Criteria: ACMG Guidelines, 2015. Collection method: clinical testing. Allele origin: germline. Observed: 1 variant allele.
Comment: PM5

Color Diagnostics, LLC DBA Color Health
Classification: Uncertain significance for Hereditary cancer-predisposing syndrome. Last evaluated: 2025-03-17. Review status: criteria provided, single submitter. Criteria: ACMG Guidelines, 2015. Collection method: clinical testing. Allele origin: germline.
Comment: This missense variant replaces arginine with histidine at codon 2832 of the ATM protein. Computational prediction suggests that this variant may not impact protein structure and function. To our knowledge, functional studies have not been reported for this variant. This variant has been reported in individuals affected with breast and/or ovarian cancer (PMID: 20305132, 30303537, 33552952, 35264596, 38896321), pancreatic cancer (PMID: 28726808) and gastric cancer (PMID: 14706517), as well as in unaffected individuals (PMID: 24728327, 31422574). In a large breast cancer case-control study, this variant was observed in 9/60457 cases and 3/53458 controls, showing inconclusive association with disease (OR=2.653, 95%CI 0.718 to 9.799, p-value=0.155; PMID: 33471991). This variant has been identified in 31/282644 chromosomes in the general population by the Genome Aggregation Database (gnomAD). Different variants affecting the same position, p.Arg2832Cys and p.Arg2832Pro, are considered to be disease-causing (ClinVar variation ID: 127459, 429065), suggesting that the arginine amino acid at this position is important for the protein function. The available evidence is insufficient to determine the role of this variant in disease conclusively. Therefore, this variant is classified as a Variant of Uncertain Significance.

NM_000051.4(ATM):c.8495G>A (p.Arg2832His)

Genes: ATM (ATM serine/threonine kinase; plus strand), C11orf65 (chromosome 11 open reading frame 65; minus strand). Cytogenetic location: 11q22.3.
Variant type: single nucleotide variant.
Coding change: c.8495G>A on transcript NM_000051.4 (MANE Select); coding-DNA position 8495, G replaced by A.
Protein change: p.Arg2832His; replaces arginine 2832 with histidine.
Molecular consequence: missense variant. On other transcripts: intron variant (2).
Genome position (GRCh38, 1-based): chr11:108,345,819, G>A. VCF-style: chr11-108345819-G-A. GRCh37 (hg19) VCF-style: chr11-108216546-G-A.
Other names: p.R2832H:CGT>CAT; p.Arg2832His; c.8495G>A, p.Arg2832His (NM_001351834.2); c.641-36748C>T (NM_001330368.2); c.695-10527C>T (NM_001351110.2); short protein forms R2832H.
Identifiers: ClinVar variation 133638 (VCV000133638.66), dbSNP rs529296539, ClinGen allele CA157186.